The following is an entry in ClinVar:

ClinVar aggregate classification (germline): Likely pathogenic. Review status: criteria provided, multiple submitters, no conflicts (2 of 4 stars). 2 submissions from 2 submitters: Likely pathogenic (2). Last evaluated 2026-01-12.

Conditions:
Polycystic kidney disease 4 (PKD4). Also called: POLYCYSTIC KIDNEY AND HEPATIC DISEASE 1; POLYCYSTIC KIDNEY DISEASE, INFANTILE, TYPE I; PKD3; POLYCYSTIC KIDNEY DISEASE 4 WITH OR WITHOUT POLYCYSTIC LIVER DISEASE; Autosomal Recessive Polycystic Kidney Disease – PKHD1. Identifiers: MedGen C4540575, MONDO:0033004, OMIM 263200.
Autosomal recessive polycystic kidney disease (ARPKD). Also called: AR polycystic kidney disease. Identifiers: Orphanet 731, Orphanet 8378, MedGen C0085548, MeSH D017044, MONDO:0009889.

Allele frequency attached by ClinVar (database versions not stated): gnomAD 0.00001.

Submissions (2):

Natera, Inc.
Classification: Likely pathogenic for Autosomal recessive polycystic kidney disease. Last evaluated: 2026-01-12. Review status: criteria provided, single submitter. Criteria: Natera Variant Classification Schema (03/2026). Collection method: clinical testing. Allele origin: germline.
Comment: The c.9907delA variant in PKHD1 is a frameshift variant predicted to shift the reading frame beginning at codon 3303 and leads to a stop codon 7 codons downstream. This variant is expected to result in nonsense mediated decay, truncation, or a dysfunctional protein product. This variant is rare in the general population with a frequency below the threshold expected for the associated phenotype(s). Given the available evidence, this variant is classified as Likely Pathogenic.

Revvity Omics, Revvity
Classification: Likely pathogenic for Polycystic kidney disease 4. Last evaluated: 2021-05-29. Review status: criteria provided, single submitter. Criteria: ACMG Guidelines, 2015. Collection method: clinical testing. Allele origin: germline.

NM_138694.4(PKHD1):c.9907del (p.Ser3303fs)

Gene: PKHD1 (PKHD1 ciliary IPT domain containing fibrocystin/polyductin; minus strand). Cytogenetic location: 6p12.3.
Variant type: Deletion.
Coding change: c.9907del on transcript NM_138694.4 (MANE Select); coding-DNA position 9907, one base deleted (A; older notation c.9907delA).
Protein change: p.Ser3303fs; shifts the reading frame from serine 3303.
Molecular consequence: frameshift variant.
Genome position (GRCh38, 1-based): chr6:51,746,812, T deleted on the plus strand (A on the coding strand, the reverse complement: PKHD1 is on the minus strand). VCF-style (leftmost placement, unchanged base first): chr6-51746811-CT-C. GRCh37 (hg19) VCF-style: chr6-51611609-CT-C.
Other names: c.9907del, p.Ser3303fs (NM_170724.3); c.9907delA (NM_138694.3); short protein forms S3303fs.
Identifiers: ClinVar variation 1324920 (VCV001324920.5), dbSNP rs1785247939, ClinGen allele CA1088960594.